The following is an entry in ClinVar:

NM_000051.4(ATM):c.5659G>A (p.Ala1887Thr)

Gene: ATM (ATM serine/threonine kinase; plus strand). Cytogenetic location: 11q22.3.
Variant type: single nucleotide variant.
Coding change: c.5659G>A on transcript NM_000051.4 (MANE Select); coding-DNA position 5659, G replaced by A.
Protein change: p.Ala1887Thr; replaces alanine 1887 with threonine.
Molecular consequence: missense variant.
Genome position (GRCh38, 1-based): chr11:108,304,837, G>A. VCF-style: chr11-108304837-G-A. GRCh37 (hg19) VCF-style: chr11-108175564-G-A.
Other names: c.5659G>A, p.Ala1887Thr (NM_001351834.2); short protein forms A1887T.
Identifiers: ClinVar variation 950287 (VCV000950287.9), dbSNP rs2083606754, ClinGen allele CA382546530.

ClinVar aggregate classification (germline): Uncertain significance (1 of 4 stars; one submission).

Conditions:
Ataxia-telangiectasia syndrome (AT). Also called: LOUIS-BAR SYNDROME; Ataxia telangiectasia (A-T); Cerebello-oculocutaneous telangiectasia; Immunodeficiency with ataxia telangiectasia; ATAXIA-TELANGIECTASIA, COMPLEMENTATION GROUP A; ATAXIA-TELANGIECTASIA, FRESNO VARIANT. Identifiers: Orphanet 100, MedGen C0004135, MONDO:0008840, OMIM 208900.

Submission:

Labcorp Genetics (formerly Invitae), Labcorp
Classification: Uncertain significance for Ataxia-telangiectasia syndrome. Last evaluated: 2019-04-28. Review status: criteria provided, single submitter. Criteria: Invitae Variant Classification Sherloc (09022015). Collection method: clinical testing. Allele origin: germline.
Comment: This sequence change replaces alanine with threonine at codon 1887 of the ATM protein (p.Ala1887Thr). The alanine residue is moderately conserved and there is a small physicochemical difference between alanine and threonine. This variant is not present in population databases (ExAC no frequency). This variant has not been reported in the literature in individuals with ATM-related conditions. Algorithms developed to predict the effect of missense changes on protein structure and function (SIFT, PolyPhen-2, Align-GVGD) all suggest that this variant is likely to be tolerated, but these predictions have not been confirmed by published functional studies and their clinical significance is uncertain. In summary, the available evidence is currently insufficient to determine the role of this variant in disease. Therefore, it has been classified as a Variant of Uncertain Significance.